The following is an entry in ClinVar:

NM_006070.6(TFG):c.166A>G (p.Ile56Val)

Gene: TFG (trafficking from ER to golgi regulator; plus strand). Cytogenetic location: 3q12.2.
Variant type: single nucleotide variant.
Coding change: c.166A>G on transcript NM_006070.6 (MANE Select); coding-DNA position 166, A replaced by G.
Protein change: p.Ile56Val; replaces isoleucine 56 with valine.
Molecular consequence: missense variant.
Genome position (GRCh38, 1-based): chr3:100,713,851, A>G. VCF-style: chr3-100713851-A-G. GRCh37 (hg19) VCF-style: chr3-100432695-A-G.
Other names: c.166A>G, p.Ile56Val (NM_001007565.2, NM_001195478.2, NM_001195479.2); short protein forms I56V.
Identifiers: ClinVar variation 2936851 (VCV002936851.3), dbSNP rs1406625923, ClinGen allele CA353837238.

ClinVar aggregate classification (germline): Uncertain significance (1 of 4 stars; one submission).

Conditions:
Hereditary motor and sensory neuropathy, Okinawa type (HMSNO). Also called: HEREDITARY MOTOR AND SENSORY NEUROPATHY, PROXIMAL TYPE. Identifiers: Orphanet 90117, MedGen C1858338, MONDO:0011468, OMIM 604484.
Hereditary spastic paraplegia 57. Also called: Spastic paraplegia 57, autosomal recessive. Identifiers: Orphanet 431329, MedGen C3714897, MONDO:0014295, OMIM 615658.

Allele frequency attached by ClinVar (database versions not stated): gnomAD exomes below 0.00001; TOPMed 0.00001.
gnomAD v4.1: 2 of 1,559,126 alleles (0.00013%); highest among the groups gnomAD compares: East Asian, 0.0046%; no homozygotes.

Submission:

Labcorp Genetics (formerly Invitae), Labcorp
Classification: Uncertain significance for Hereditary motor and sensory neuropathy, Okinawa type; Hereditary spastic paraplegia 57. Last evaluated: 2023-08-10. Review status: criteria provided, single submitter. Criteria: Invitae Variant Classification Sherloc (09022015). Collection method: clinical testing. Allele origin: germline.
Comment: This variant is present in population databases (no rsID available, gnomAD 0.01%). This variant has not been reported in the literature in individuals affected with TFG-related conditions. Advanced modeling of protein sequence and biophysical properties (such as structural, functional, and spatial information, amino acid conservation, physicochemical variation, residue mobility, and thermodynamic stability) performed at Invitae indicates that this missense variant is not expected to disrupt TFG protein function. In summary, the available evidence is currently insufficient to determine the role of this variant in disease. Therefore, it has been classified as a Variant of Uncertain Significance. This sequence change replaces isoleucine, which is neutral and non-polar, with valine, which is neutral and non-polar, at codon 56 of the TFG protein (p.Ile56Val).